The following is an entry in ClinVar:

ClinVar aggregate classification (germline): Uncertain significance. Review status: criteria provided, multiple submitters, no conflicts (2 of 4 stars). 2 submissions from 2 submitters: Uncertain significance (2). Last evaluated 2026-06-01.

Conditions:
Cognitive impairment - coarse facies - heart defects - obesity - pulmonary involvement - short stature - skeletal dysplasia syndrome. Also called: Chops syndrome; COGNITIVE IMPAIRMENT, COARSE FACIES, HEART DEFECTS, OBESITY, PULMONARY INVOLVEMENT, SHORT STATURE, AND SKELETAL DYSPLASIA; AFF4-Related CHOPS Syndrome. Identifiers: Orphanet 444077, MedGen C4085597, MONDO:0014609, OMIM 616368.
AFF4-related disorder. Also called: AFF4-related condition.

Allele frequency attached by ClinVar (database versions not stated): gnomAD exomes 0.00001; ExAC 0.00002; gnomAD 0.00002; TOPMed 0.00005; ESP Exome Variant Server 0.00008.
gnomAD v4.1: 22 of 1,614,088 alleles (0.0014%); highest among the groups gnomAD compares: Middle Eastern, 0.016%; no homozygotes.

Submissions (2):

PreventionGenetics, part of Exact Sciences
Classification: Uncertain significance for AFF4-related condition. Last evaluated: 2026-06-01. Review status: criteria provided, single submitter. Criteria: ACMG Guidelines, 2015. Collection method: clinical testing. Allele origin: germline.
Comment: The AFF4 c.1889A>G variant is predicted to result in the amino acid substitution p.Tyr630Cys. To our knowledge, this variant has not been reported in the literature. This variant is reported in 0.028% of alleles in individuals of African descent in gnomAD. Although we suspect that this variant may be benign, at this time, the clinical significance of this variant is uncertain due to the absence of conclusive functional and genetic evidence.

Labcorp Genetics (formerly Invitae), Labcorp
Classification: Uncertain significance for Cognitive impairment - coarse facies - heart defects - obesity - pulmonary involvement - short stature - skeletal dysplasia syndrome. Last evaluated: 2025-06-14. Review status: criteria provided, single submitter. Criteria: Invitae Variant Classification Sherloc (09022015). Collection method: clinical testing. Allele origin: germline.
Comment: This sequence change replaces tyrosine, which is neutral and polar, with cysteine, which is neutral and slightly polar, at codon 630 of the AFF4 protein (p.Tyr630Cys). This variant is present in population databases (rs147336475, gnomAD 0.02%). This variant has not been reported in the literature in individuals affected with AFF4-related conditions. ClinVar contains an entry for this variant (Variation ID: 2082066). Invitae Evidence Modeling of protein sequence and biophysical properties (such as structural, functional, and spatial information, amino acid conservation, physicochemical variation, residue mobility, and thermodynamic stability) indicates that this missense variant is not expected to disrupt AFF4 protein function with a negative predictive value of 80%. Algorithms developed to predict the effect of sequence changes on RNA splicing suggest that this variant may create or strengthen a splice site. In summary, the available evidence is currently insufficient to determine the role of this variant in disease. Therefore, it has been classified as a Variant of Uncertain Significance.

NM_014423.4(AFF4):c.1889A>G (p.Tyr630Cys)

Gene: AFF4 (ALF transcription elongation factor 4; minus strand). Cytogenetic location: 5q31.1.
Variant type: single nucleotide variant.
Coding change: c.1889A>G on transcript NM_014423.4 (MANE Select); coding-DNA position 1889, A replaced by G.
Protein change: p.Tyr630Cys; replaces tyrosine 630 with cysteine.
Molecular consequence: missense variant.
Genome position (GRCh38, 1-based): chr5:132,896,741, T>C on the plus strand (A>G on the coding strand, the complement: AFF4 is on the minus strand). VCF-style: chr5-132896741-T-C. GRCh37 (hg19) VCF-style: chr5-132232433-T-C.
Other names: c.1889A>G (NM_014423.3); short protein forms Y630C.
Identifiers: ClinVar variation 2082066 (VCV002082066.5), dbSNP rs147336475, ClinGen allele CA3409029.